The following is an entry in ClinVar:

NM_021619.3(PRDM12):c.1076_1077insCTC (p.Ala359_His360insSer)

Gene: PRDM12 (PR/SET domain 12; plus strand). Cytogenetic location: 9q34.12.
Variant type: Insertion.
Coding change: c.1076_1077insCTC on transcript NM_021619.3 (MANE Select); coding-DNA positions 1076 to 1077, CTC inserted.
Protein change: p.Ala359_His360insSer.
Molecular consequence: inframe insertion.
Genome position: GRCh38 VCF-style: chr9-130681640-G-GCCT. GRCh37 (hg19) VCF-style: chr9-133557027-G-GCCT.
Identifiers: ClinVar variation 1462988 (VCV001462988.3), dbSNP rs2132608912, ClinGen allele CA2568677175.

ClinVar aggregate classification (germline): Uncertain significance (1 of 4 stars; one submission).

Conditions:
Congenital insensitivity to pain-hypohidrosis syndrome. Also called: HSAN VIII; Neuropathy, hereditary sensory and autonomic, type VIII. Identifiers: Orphanet 478664, MedGen C4225308, MONDO:0014662, OMIM 616488.

Submission:

Labcorp Genetics (formerly Invitae), Labcorp
Classification: Uncertain significance for Congenital insensitivity to pain-hypohidrosis syndrome. Last evaluated: 2022-07-15. Review status: criteria provided, single submitter. Criteria: Invitae Variant Classification Sherloc (09022015). Collection method: clinical testing. Allele origin: germline.
Comment: This variant, c.1076_1077insCTC, results in the insertion of 1 amino acid(s) of the PRDM12 protein (p.Ala359_His360insSer), but otherwise preserves the integrity of the reading frame. The frequency data for this variant in the population databases is considered unreliable, as metrics indicate insufficient coverage at this position in the gnomAD database. This variant has not been reported in the literature in individuals affected with PRDM12-related conditions. ClinVar contains an entry for this variant (Variation ID: 1462988). In summary, the available evidence is currently insufficient to determine the role of this variant in disease. Therefore, it has been classified as a Variant of Uncertain Significance.